The following is an entry in ClinVar:

NC_000018.10:g.79717541_79717560del

Gene: CTDP1 (CTD phosphatase subunit 1; plus strand). Cytogenetic location: 18q23.
Variant type: Deletion.
Genome position: GRCh38 VCF-style: chr18-79717528-CCTGCAGGCACAGAGAAGGTG-C. GRCh37 (hg19) VCF-style: chr18-77477528-CCTGCAGGCACAGAGAAGGTG-C.
Identifiers: ClinVar variation 1992846 (VCV001992846.5), ClinGen allele CA2576662501.
Genomic context (GRCh38, chr18:79,717,528, plus strand): 5'-AGCCGGATGTGGGCCCTGAGCCTCCAGTGCTGGCCGGAACAGCCTGACGCAGCCGGGTCT[CCTGCAGGCACAGAGAAGGTG>C]CTGCAGGCACAGGAGTGCGGACACCTGCACGTGGTCAACCCTGACTGGCTGTGGAGCTGC-3'

ClinVar aggregate classification (germline): Uncertain significance (1 of 4 stars; one submission).

Submission:

Labcorp Genetics (formerly Invitae), Labcorp
Classification: Uncertain significance. Last evaluated: 2022-07-15. Review status: criteria provided, single submitter. Criteria: Invitae Variant Classification Sherloc (09022015). Collection method: clinical testing. Allele origin: germline.
Comment: This variant is not present in population databases (gnomAD no frequency). This sequence change creates a premature translational stop signal (p.Glu692Glyfs*11) in the CTDP1 gene. It is expected to result in an absent or disrupted protein product. However, the current clinical and genetic evidence is not sufficient to establish whether loss-of-function variants in CTDP1 cause disease. This variant has not been reported in the literature in individuals affected with CTDP1-related conditions. Algorithms developed to predict the effect of sequence changes on RNA splicing suggest that this variant may disrupt the consensus splice site. In summary, the available evidence is currently insufficient to determine the role of this variant in disease. Therefore, it has been classified as a Variant of Uncertain Significance.